The following is an entry in ClinVar:

NM_173685.4(NSMCE2):c.519+4C>T

Gene: NSMCE2 (NSE2 (MMS21) homolog, SMC5-SMC6 complex SUMO ligase; plus strand). Cytogenetic location: 8q24.13.
Variant type: single nucleotide variant.
Coding change: c.519+4C>T on transcript NM_173685.4 (MANE Select); 4 bases into the intron after coding-DNA position 519, C replaced by T.
Molecular consequence: intron variant.
Genome position (GRCh38, 1-based): chr8:125,357,323, C>T. VCF-style: chr8-125357323-C-T. GRCh37 (hg19) VCF-style: chr8-126369565-C-T.
Other names: c.519+4C>T (NM_001349486.2, NM_001349485.2).
Identifiers: ClinVar variation 1957375 (VCV001957375.4), dbSNP rs1185410849, ClinGen allele CA846969157.

ClinVar aggregate classification (germline): Uncertain significance (1 of 4 stars; one submission).

Allele frequency attached by ClinVar (database versions not stated): gnomAD exomes below 0.00001; gnomAD 0.00001; TOPMed 0.00001.
gnomAD v4.1: 3 of 1,556,756 alleles (0.00019%); highest among the groups gnomAD compares: Non-Finnish European, 0.00027%; no homozygotes.

Submission:

Labcorp Genetics (formerly Invitae), Labcorp
Classification: Uncertain significance. Last evaluated: 2024-11-11. Review status: criteria provided, single submitter. Criteria: Invitae Variant Classification Sherloc (09022015). Collection method: clinical testing. Allele origin: germline.
Comment: This sequence change falls in intron 6 of the NSMCE2 gene. It does not directly change the encoded amino acid sequence of the NSMCE2 protein. It affects a nucleotide within the consensus splice site. This variant is not present in population databases (gnomAD no frequency). This variant has not been reported in the literature in individuals affected with NSMCE2-related conditions. ClinVar contains an entry for this variant (Variation ID: 1957375). Variants that disrupt the consensus splice site are a relatively common cause of aberrant splicing (PMID: 17576681, 9536098). Algorithms developed to predict the effect of sequence changes on RNA splicing suggest that this variant is not likely to affect RNA splicing. In summary, the available evidence is currently insufficient to determine the role of this variant in disease. Therefore, it has been classified as a Variant of Uncertain Significance.

Literature cited by the submitters: PubMed 17576681; PubMed 9536098.